The following is an entry in ClinVar:

ClinVar aggregate classification (germline): Pathogenic (1 of 4 stars; one submission).

Conditions:
Pontocerebellar hypoplasia type 1A (PCH1A). Also called: PONTOCEREBELLAR HYPOPLASIA WITH ANTERIOR HORN CELL DISEASE; PONTOCEREBELLAR HYPOPLASIA WITH INFANTILE SPINAL MUSCULAR ATROPHY. Identifiers: Orphanet 2254, Orphanet 88616, MedGen C1843504, MONDO:0011866, OMIM 607596.

Submission:

Labcorp Genetics (formerly Invitae), Labcorp
Classification: Pathogenic for Pontocerebellar hypoplasia type 1A. Last evaluated: 2022-12-15. Review status: criteria provided, single submitter. Criteria: Invitae Variant Classification Sherloc (09022015). Collection method: clinical testing. Allele origin: germline.
Comment: For these reasons, this variant has been classified as Pathogenic. This variant has not been reported in the literature in individuals affected with VRK1-related conditions. This variant is not present in population databases (gnomAD no frequency). This sequence change creates a premature translational stop signal (p.Asn294Thrfs*13) in the VRK1 gene. It is expected to result in an absent or disrupted protein product. Loss-of-function variants in VRK1 are known to be pathogenic (PMID: 19646678, 24126608, 27281532).

Literature cited by the submitters: PubMed 19646678; PubMed 24126608; PubMed 27281532.

NM_003384.3(VRK1):c.881del (p.Asn294fs)

Gene: VRK1 (VRK serine/threonine kinase 1; plus strand). Cytogenetic location: 14q32.2.
Variant type: Deletion.
Coding change: c.881del on transcript NM_003384.3 (MANE Select); coding-DNA position 881, one base deleted (A; older notation c.881delA).
Protein change: p.Asn294fs; shifts the reading frame from asparagine 294.
Molecular consequence: frameshift variant.
Genome position (GRCh38, 1-based): chr14:96,856,578, A deleted; the last of 5 consecutive A bases (chr14:96,856,574-96,856,578); deleting any one gives the same sequence. VCF-style (leftmost placement, unchanged base first): chr14-96856573-GA-G. GRCh37 (hg19) VCF-style: chr14-97322910-GA-G.
Other names: c.881del, p.Asn294fs (NM_001411051.1, NM_001411053.1); short protein forms N294fs.
Identifiers: ClinVar variation 2717633 (VCV002717633.3), dbSNP rs2504197072, ClinGen allele CA2697554140.